The following is an entry in ClinVar:

ClinVar aggregate classification (germline): Uncertain significance. Review status: criteria provided, multiple submitters, no conflicts (2 of 4 stars). 3 submissions from 3 submitters: Uncertain significance (3). Last evaluated 2026-06-15.

Conditions:
Endometrial carcinoma. Also called: Endometrial carcinoma, somatic. Identifiers: MedGen C0476089, MONDO:0002447, OMIM 608089, HP:0012114.
Hereditary nonpolyposis colorectal neoplasms. Identifiers: MedGen C0009405, MeSH D003123.
Hereditary cancer-predisposing syndrome. Also called: Tumor predisposition; Hereditary Cancer Syndrome; Hereditary neoplastic syndrome; Neoplastic Syndromes, Hereditary. Identifiers: Orphanet 140162, MedGen C0027672, MeSH D009386, MONDO:0015356.

Submissions (3):

Ambry Genetics
Classification: Uncertain significance for Hereditary cancer-predisposing syndrome. Last evaluated: 2026-06-15. Review status: criteria provided, single submitter. Criteria: Ambry Variant Classification Scheme 2023. Collection method: clinical testing. Allele origin: germline.
Comment: The p.H785L variant (also known as c.2354A>T), located in coding exon 4 of the MSH6 gene, results from an A to T substitution at nucleotide position 2354. The histidine at codon 785 is replaced by leucine, an amino acid with similar properties. This amino acid position is conserved. In addition, the in silico prediction for this alteration is inconclusive. Based on the available evidence, the clinical significance of this variant remains unclear.

Baylor Genetics
Classification: Uncertain significance for Endometrial carcinoma. Last evaluated: 2024-03-03. Review status: criteria provided, single submitter. Criteria: ACMG Guidelines, 2015. Collection method: clinical testing. Allele origin: unknown.

Labcorp Genetics (formerly Invitae), Labcorp
Classification: Uncertain significance for Hereditary nonpolyposis colorectal neoplasms. Last evaluated: 2023-10-04. Review status: criteria provided, single submitter. Criteria: Invitae Variant Classification Sherloc (09022015). Collection method: clinical testing. Allele origin: germline.
Comment: This sequence change replaces histidine, which is basic and polar, with leucine, which is neutral and non-polar, at codon 785 of the MSH6 protein (p.His785Leu). This variant is not present in population databases (gnomAD no frequency). This variant has not been reported in the literature in individuals affected with MSH6-related conditions. ClinVar contains an entry for this variant (Variation ID: 1047296). Advanced modeling of protein sequence and biophysical properties (such as structural, functional, and spatial information, amino acid conservation, physicochemical variation, residue mobility, and thermodynamic stability) performed at Invitae indicates that this missense variant is not expected to disrupt MSH6 protein function. In summary, the available evidence is currently insufficient to determine the role of this variant in disease. Therefore, it has been classified as a Variant of Uncertain Significance.

NM_000179.3(MSH6):c.2354A>T (p.His785Leu)

Gene: MSH6 (mutS homolog 6; plus strand). Cytogenetic location: 2p16.3.
Variant type: single nucleotide variant.
Coding change: c.2354A>T on transcript NM_000179.3 (MANE Select); coding-DNA position 2354, A replaced by T.
Protein change: p.His785Leu; replaces histidine 785 with leucine.
Molecular consequence: missense variant.
Genome position (GRCh38, 1-based): chr2:47,800,337, A>T. VCF-style: chr2-47800337-A-T. GRCh37 (hg19) VCF-style: chr2-48027476-A-T.
Other names: c.1964A>T, p.His655Leu (NM_001281492.2); c.1448A>T, p.His483Leu (NM_001281493.2, NM_001281494.2); c.2354A>T (NM_000179.2); short protein forms H483L, H655L, H785L.
Identifiers: ClinVar variation 1047296 (VCV001047296.11), dbSNP rs1669452752, ClinGen allele CA346753554.